The following is an entry in ClinVar:

NM_000243.3(MEFV):c.454G>A (p.Gly152Arg)

Gene: MEFV (MEFV innate immunity regulator, pyrin; minus strand). Cytogenetic location: 16p13.3.
Variant type: single nucleotide variant.
Coding change: c.454G>A on transcript NM_000243.3 (MANE Select); coding-DNA position 454, G replaced by A.
Protein change: p.Gly152Arg; replaces glycine 152 with arginine.
Molecular consequence: missense variant. On other transcripts: intron variant (1).
Genome position (GRCh38, 1-based): chr16:3,254,614, C>T on the plus strand (G>A on the coding strand, the complement: MEFV is on the minus strand). VCF-style: chr16-3254614-C-T. GRCh37 (hg19) VCF-style: chr16-3304614-C-T.
Other names: c.277+1697G>A (NM_001198536.2); short protein forms G152R.
Identifiers: ClinVar variation 3622040 (VCV003622040.2).

ClinVar aggregate classification (germline): Uncertain significance (1 of 4 stars; one submission).

Conditions:
Familial Mediterranean fever (FMF). Also called: POLYSEROSITIS, FAMILIAL PAROXYSMAL; POLYSEROSITIS, RECURRENT; Periodic peritonitis; Benign paroxysmal peritonitis. Identifiers: Orphanet 342, MedGen C0031069, MONDO:0018088, OMIM 249100. Disease mechanism: gain of function.

gnomAD v4.1: 11 of 1,602,728 alleles (0.00069%); highest among the groups gnomAD compares: African/African-American, 0.0013%; no homozygotes.

Submission:

Labcorp Genetics (formerly Invitae), Labcorp
Classification: Uncertain significance for Familial Mediterranean fever. Last evaluated: 2024-02-08. Review status: criteria provided, single submitter. Criteria: Invitae Variant Classification Sherloc (09022015). Collection method: clinical testing. Allele origin: germline.
Comment: This sequence change replaces glycine, which is neutral and non-polar, with arginine, which is basic and polar, at codon 152 of the MEFV protein (p.Gly152Arg). This variant is not present in population databases (gnomAD no frequency). This missense change has been observed in individual(s) with familial mediterranean fever (PMID: 31989427). An algorithm developed to predict the effect of missense changes on protein structure and function (PolyPhen-2) suggests that this variant is likely to be disruptive. In summary, the available evidence is currently insufficient to determine the role of this variant in disease. Therefore, it has been classified as a Variant of Uncertain Significance.

Literature cited by the submitters: PubMed 31989427.